The following is an entry in ClinVar:

ClinVar aggregate classification (germline): Pathogenic. Review status: criteria provided, multiple submitters, no conflicts (2 of 4 stars). 5 submissions from 5 submitters: Pathogenic (3). 2 of the submissions do not count toward it. Last evaluated 2023-02-16.

Conditions:
Methylmalonic acidemia with homocystinuria, type cblX (MAHCX). Also called: INTELLECTUAL DEVELOPMENTAL DISORDER, X-LINKED 3. Identifiers: Orphanet 369962, MedGen C0796208, MONDO:0010657, OMIM 309541.
Disorders of Intracellular Cobalamin Metabolism. Identifiers: MedGen CN043592.

Submissions (5):

Labcorp Genetics (formerly Invitae), Labcorp
Classification: Pathogenic for Methylmalonic acidemia with homocystinuria, type cblX. Last evaluated: 2023-02-16. Review status: criteria provided, single submitter. Criteria: Invitae Variant Classification Sherloc (09022015). Collection method: clinical testing. Allele origin: germline.
Comment: This sequence change replaces alanine, which is neutral and non-polar, with valine, which is neutral and non-polar, at codon 115 of the HCFC1 protein (p.Ala115Val). For these reasons, this variant has been classified as Pathogenic. Experimental studies have shown that this missense change affects HCFC1 function (PMID: 28449119). An algorithm developed to predict the effect of missense changes on protein structure and function (PolyPhen-2) suggests that this variant is likely to be disruptive. ClinVar contains an entry for this variant (Variation ID: 66984). This missense change has been observed in individuals with cobalamin X deficiency (PMID: 24011988, 28363510). This variant is not present in population databases (gnomAD no frequency).

Baylor Genetics
Classification: Pathogenic for Methylmalonic acidemia with homocystinuria, type cblX. Last evaluated: 2022-03-21. Review status: criteria provided, single submitter. Criteria: ACMG Guidelines, 2015. Collection method: clinical testing. Allele origin: unknown.

Undiagnosed Diseases Network, NIH
Classification: Pathogenic for Methylmalonic acidemia with homocystinuria, type cblX. Last evaluated: 2022-03-21. Review status: criteria provided, single submitter. Criteria: ACMG Guidelines, 2015. Collection method: clinical testing. Allele origin: de novo. Inheritance: X-linked inheritance. Affected: yes. Observed: 1 variant allele, 1 hemizygote. Study: Undiagnosed Diseases Network (NIH), UDN.

OMIM
Classification: Pathogenic for METHYLMALONIC ACIDURIA AND HOMOCYSTINURIA, cblX TYPE. Last evaluated: 2013-09-05. Review status: no assertion criteria provided. Collection method: literature only. Allele origin: germline. Not counted in ClinVar's aggregate classification.

GeneReviews
No classification provided. Condition: Disorders of Intracellular Cobalamin Metabolism. Review status: no classification provided. Collection method: literature only. Allele origin: germline. Not counted in ClinVar's aggregate classification.

Literature cited by the submitters: PubMed 28449119 (cited by Labcorp Genetics (formerly Invitae), Labcorp and Undiagnosed Diseases Network, NIH); PubMed 24011988 (cited by 4 submitters); PubMed 28363510 (cited by Labcorp Genetics (formerly Invitae), Labcorp and Undiagnosed Diseases Network, NIH); PubMed 35013307 (cited by Undiagnosed Diseases Network, NIH).

NM_005334.3(HCFC1):c.344C>T (p.Ala115Val)

Gene: HCFC1 (host cell factor C1; minus strand). Cytogenetic location: Xq28.
Variant type: single nucleotide variant.
Coding change: c.344C>T on transcript NM_005334.3 (MANE Select); coding-DNA position 344, C replaced by T.
Protein change: p.Ala115Val; replaces alanine 115 with valine.
Molecular consequence: missense variant.
Genome position (GRCh38, 1-based): chrX:153,964,283, G>A on the plus strand (C>T on the coding strand, the complement: HCFC1 is on the minus strand). VCF-style: chrX-153964283-G-A. GRCh37 (hg19) VCF-style: chrX-153229734-G-A.
Other names: p.A115V; c.344C>T, p.Ala115Val (NM_001410705.1); c.344C>T (NM_005334.2); short protein forms A115V.
Identifiers: ClinVar variation 66984 (VCV000066984.17), dbSNP rs397515485, ClinGen allele CA144900.